The following is an entry in ClinVar:

ClinVar aggregate classification (germline): Uncertain significance (1 of 4 stars; one submission).

Allele frequency attached by ClinVar (database versions not stated): ExAC 0.00001; gnomAD 0.00001; ESP Exome Variant Server 0.00008.
gnomAD v4.1: 1 of 1,603,210 alleles (0.000062%); highest among the groups gnomAD compares: Non-Finnish European, 0.000085%; no homozygotes.

Submission:

Ambry Genetics
Classification: Uncertain significance. Last evaluated: 2021-06-12. Review status: criteria provided, single submitter. Criteria: Ambry Variant Classification Scheme 2023. Collection method: clinical testing. Allele origin: germline.
Comment: The p.K873E variant (also known as c.2617A>G), located in coding exon 21 of the A2ML1 gene, results from an A to G substitution at nucleotide position 2617. The lysine at codon 873 is replaced by glutamic acid, an amino acid with similar properties. This amino acid position is conserved. In addition, this alteration is predicted to be tolerated by in silico analysis. Since supporting evidence is limited at this time, the clinical significance of this alteration remains unclear.

NM_144670.6(A2ML1):c.2617A>G (p.Lys873Glu)

Gene: A2ML1 (alpha-2-macroglobulin like 1; plus strand). Cytogenetic location: 12p13.31.
Variant type: single nucleotide variant.
Coding change: c.2617A>G on transcript NM_144670.6 (MANE Select); coding-DNA position 2617, A replaced by G.
Protein change: p.Lys873Glu; replaces lysine 873 with glutamic acid.
Molecular consequence: missense variant.
Genome position (GRCh38, 1-based): chr12:8,854,154, A>G. VCF-style: chr12-8854154-A-G. GRCh37 (hg19) VCF-style: chr12-9006750-A-G.
Other names: c.1144A>G, p.Lys382Glu (NM_001282424.3); short protein forms K382E, K873E.
Identifiers: ClinVar variation 1793868 (VCV001793868.2), dbSNP rs371612001, ClinGen allele CA6436077.